The following is an entry in ClinVar:

ClinVar aggregate classification (germline): Uncertain significance (1 of 4 stars; one submission).

Conditions:
Epileptic encephalopathy. Identifiers: MedGen C0543888, HP:0200134.

Allele frequency attached by ClinVar (database versions not stated): ExAC 0.00001; gnomAD exomes 0.00001.

Submission:

Labcorp Genetics (formerly Invitae), Labcorp
Classification: Uncertain significance for Epileptic encephalopathy. Last evaluated: 2024-01-17. Review status: criteria provided, single submitter. Criteria: Invitae Variant Classification Sherloc (09022015). Collection method: clinical testing. Allele origin: germline.
Comment: This sequence change replaces arginine, which is basic and polar, with cysteine, which is neutral and slightly polar, at codon 38 of the FASN protein (p.Arg38Cys). This variant is present in population databases (rs753639504, gnomAD 0.003%). This variant has not been reported in the literature in individuals affected with FASN-related conditions. An algorithm developed to predict the effect of missense changes on protein structure and function (PolyPhen-2) suggests that this variant is likely to be disruptive. In summary, the available evidence is currently insufficient to determine the role of this variant in disease. Therefore, it has been classified as a Variant of Uncertain Significance.

NM_004104.5(FASN):c.112C>T (p.Arg38Cys)

Gene: FASN (fatty acid synthase; minus strand). Cytogenetic location: 17q25.3.
Variant type: single nucleotide variant.
Coding change: c.112C>T on transcript NM_004104.5 (MANE Select); coding-DNA position 112, C replaced by T.
Protein change: p.Arg38Cys; replaces arginine 38 with cysteine.
Molecular consequence: missense variant.
Genome position (GRCh38, 1-based): chr17:82,096,334, G>A on the plus strand (C>T on the coding strand, the complement: FASN is on the minus strand). VCF-style: chr17-82096334-G-A. GRCh37 (hg19) VCF-style: chr17-80054210-G-A.
Other names: short protein forms R38C.
Identifiers: ClinVar variation 2740607 (VCV002740607.3), dbSNP rs753639504, ClinGen allele CA8853674.